The following is an entry in ClinVar:

NM_005739.4(RASGRP1):c.2196_2199del (p.Ser732_Leu733insTer)

Gene: RASGRP1 (RAS guanyl releasing protein 1; minus strand). Cytogenetic location: 15q14.
Variant type: Deletion.
Coding change: c.2196_2199del on transcript NM_005739.4 (MANE Select); coding-DNA positions 2196 to 2199, 4 bases deleted (CCTC; older notation c.2196_2199delCCTC).
Protein change: p.Ser732_Leu733insTer.
Molecular consequence: frameshift variant. On other transcripts: intron variant (1).
Genome position (GRCh38, 1-based): chr15:38,494,442-38,494,445, GAGG deleted on the plus strand (CCTC on the coding strand, the reverse complement: RASGRP1 is on the minus strand); deleting any 4 consecutive bases within chr15:38,494,442-38,494,448 gives the same sequence; the c. name uses the placement nearest the transcript's 3' end. VCF-style (leftmost placement, unchanged base first): chr15-38494441-TGAGG-T. GRCh37 (hg19) VCF-style: chr15-38786642-TGAGG-T.
Other names: c.2091_2094del, p.Ser697_Leu698insTer (NM_001128602.2); c.1769-3757_1769-3754del (NM_001306086.2).
Identifiers: ClinVar variation 3013600 (VCV003013600.4), dbSNP rs1566907313, ClinGen allele CA617205971.

ClinVar aggregate classification (germline): Pathogenic/Likely pathogenic. Review status: criteria provided, multiple submitters, no conflicts (2 of 4 stars). 2 submissions from 2 submitters: Pathogenic (1); Likely pathogenic (1). Last evaluated 2025-10-31.

Conditions:
Immunodeficiency 64. Also called: IMMUNODEFICIENCY 64 WITH LYMPHOPROLIFERATION. Identifiers: Orphanet 664699, MedGen C5231402, MONDO:0032803, OMIM 618534.

Submissions (2):

Labcorp Genetics (formerly Invitae), Labcorp
Classification: Pathogenic. Last evaluated: 2025-10-31. Review status: criteria provided, single submitter. Criteria: Invitae Variant Classification Sherloc (09022015). Collection method: clinical testing. Allele origin: germline.
Comment: This sequence change creates a premature translational stop signal (p.Leu733*) in the RASGRP1 gene. It is expected to result in an absent or disrupted protein product. Loss-of-function variants in RASGRP1 are known to be pathogenic (PMID: 11017103, 27776107, 28822832). This variant is present in population databases (no rsID available, gnomAD 0.003%). This variant has not been reported in the literature in individuals affected with RASGRP1-related conditions. ClinVar contains an entry for this variant (Variation ID: 3013600). For these reasons, this variant has been classified as Pathogenic.

Revvity Omics, Revvity
Classification: Likely pathogenic for Immunodeficiency 64. Last evaluated: 2024-01-03. Review status: criteria provided, single submitter. Criteria: ACMG Guidelines, 2015. Collection method: clinical testing. Allele origin: germline.

Literature cited by the submitters: PubMed 11017103 (cited by Labcorp Genetics (formerly Invitae), Labcorp); PubMed 27776107 (cited by Labcorp Genetics (formerly Invitae), Labcorp); PubMed 28822832 (cited by Labcorp Genetics (formerly Invitae), Labcorp).